The following is an entry in ClinVar:

ClinVar aggregate classification (germline): Likely pathogenic (1 of 4 stars; one submission).

Conditions:
X-linked lissencephaly with abnormal genitalia. Identifiers: Orphanet 452, MedGen C1846171, MONDO:0010268, OMIM 300215.

Submission:

3billion
Classification: Likely pathogenic for X-linked lissencephaly with abnormal genitalia. Last evaluated: 2025-02-14. Review status: criteria provided, single submitter. Criteria: ACMG Guidelines, 2015. Collection method: clinical testing. Allele origin: germline. Affected: yes.
Comment: The variant is not observed in the gnomAD v4.1.0 dataset. Predicted Consequence/Location: Stop-gained (nonsense): predicted to result in a loss or disruption of normal protein function through nonsense-mediated decay (NMD) or protein truncation. Multiple pathogenic variants are reported downstream of the variant. Therefore, this variant is classified as Likely pathogenic according to the recommendation of ACMG/AMP guideline.

NM_139058.3(ARX):c.1159G>T (p.Glu387Ter)

Gene: ARX (aristaless related homeobox; minus strand). Cytogenetic location: Xp21.3.
Variant type: single nucleotide variant.
Coding change: c.1159G>T on transcript NM_139058.3 (MANE Select); coding-DNA position 1159, G replaced by T.
Protein change: p.Glu387Ter; replaces glutamic acid 387 with a stop codon.
Molecular consequence: nonsense.
Genome position (GRCh38, 1-based): chrX:25,007,400, C>A on the plus strand (G>T on the coding strand, the complement: ARX is on the minus strand). VCF-style: chrX-25007400-C-A. GRCh37 (hg19) VCF-style: chrX-25025517-C-A.
Other names: short protein forms E387*.
Identifiers: ClinVar variation 4293757 (VCV004293757.1).